The following is an entry in ClinVar:

NM_001040108.2(MLH3):c.62C>T (p.Ser21Phe)

Gene: MLH3 (mutL homolog 3; minus strand). Cytogenetic location: 14q24.3.
Variant type: single nucleotide variant.
Coding change: c.62C>T on transcript NM_001040108.2 (MANE Select); coding-DNA position 62, C replaced by T.
Protein change: p.Ser21Phe; replaces serine 21 with phenylalanine.
Molecular consequence: missense variant.
Genome position (GRCh38, 1-based): chr14:75,049,594, G>A on the plus strand (C>T on the coding strand, the complement: MLH3 is on the minus strand). VCF-style: chr14-75049594-G-A. GRCh37 (hg19) VCF-style: chr14-75516297-G-A.
Other names: c.62C>T, p.Ser21Phe (NM_014381.3); short protein forms S21F.
Identifiers: ClinVar variation 3396711 (VCV003396711.1).

ClinVar aggregate classification (germline): Uncertain significance (1 of 4 stars; one submission).

Submission:

Ambry Genetics
Classification: Uncertain significance. Last evaluated: 2024-09-09. Review status: criteria provided, single submitter. Criteria: Ambry Variant Classification Scheme 2023. Collection method: clinical testing. Allele origin: germline.
Comment: The p.S21F variant (also known as c.62C>T), located in coding exon 1 of the MLH3 gene, results from a C to T substitution at nucleotide position 62. The serine at codon 21 is replaced by phenylalanine, an amino acid with highly dissimilar properties. This amino acid position is conserved. In addition, this alteration is predicted to be deleterious by in silico analysis. Based on the available evidence, the clinical significance of this variant remains unclear.